The following is an entry in ClinVar:

ClinVar aggregate classification (germline): Uncertain significance. Review status: criteria provided, multiple submitters, no conflicts (2 of 4 stars). 2 submissions from 2 submitters: Uncertain significance (2). Last evaluated 2025-07-23.

Conditions:
CLTC-related disorder. Also called: CLTC-related condition.

Allele frequency attached by ClinVar (database versions not stated): gnomAD exomes below 0.00001; TOPMed below 0.00001.
gnomAD v4.1: 3 of 1,614,020 alleles (0.00019%); highest among the groups gnomAD compares: Admixed American, 0.0017%; no homozygotes.

Submissions (2):

PreventionGenetics, part of Exact Sciences
Classification: Uncertain significance for CLTC-related condition. Last evaluated: 2025-07-23. Review status: criteria provided, single submitter. Criteria: ACMG Guidelines, 2015. Collection method: clinical testing. Allele origin: germline.
Comment: The CLTC c.3494G>A variant is predicted to result in the amino acid substitution p.Arg1165His. To our knowledge, this variant has not been reported in the literature. This variant is reported in 0.0029% of alleles in individuals of Latino descent in gnomAD. At this time, the clinical significance of this variant is uncertain due to the absence of conclusive functional and genetic evidence.

Labcorp Genetics (formerly Invitae), Labcorp
Classification: Uncertain significance. Last evaluated: 2024-10-15. Review status: criteria provided, single submitter. Criteria: Invitae Variant Classification Sherloc (09022015). Collection method: clinical testing. Allele origin: germline.
Comment: This sequence change replaces arginine, which is basic and polar, with histidine, which is basic and polar, at codon 1165 of the CLTC protein (p.Arg1165His). This variant is present in population databases (no rsID available, gnomAD 0.003%). This variant has not been reported in the literature in individuals affected with CLTC-related conditions. ClinVar contains an entry for this variant (Variation ID: 1493905). Invitae Evidence Modeling of protein sequence and biophysical properties (such as structural, functional, and spatial information, amino acid conservation, physicochemical variation, residue mobility, and thermodynamic stability) indicates that this missense variant is not expected to disrupt CLTC protein function with a negative predictive value of 80%. In summary, the available evidence is currently insufficient to determine the role of this variant in disease. Therefore, it has been classified as a Variant of Uncertain Significance.

NM_004859.4(CLTC):c.3482G>A (p.Arg1161His)

Gene: CLTC (clathrin heavy chain; plus strand). Cytogenetic location: 17q23.1.
Variant type: single nucleotide variant.
Coding change: c.3482G>A on transcript NM_004859.4 (MANE Select); coding-DNA position 3482, G replaced by A.
Protein change: p.Arg1161His; replaces arginine 1161 with histidine.
Molecular consequence: missense variant.
Genome position (GRCh38, 1-based): chr17:59,682,310, G>A. VCF-style: chr17-59682310-G-A. GRCh37 (hg19) VCF-style: chr17-57759671-G-A.
Other names: c.3494G>A (NM_001288653.1); c.3494G>A, p.Arg1165His (NM_001288653.2); short protein forms R1161H, R1165H.
Identifiers: ClinVar variation 1493905 (VCV001493905.9), dbSNP rs1451355390, ClinGen allele CA400417913.